The following is an entry in ClinVar:

NM_014244.5(ADAMTS2):c.96delinsTA (p.Pro33fs)

Gene: ADAMTS2 (ADAM metallopeptidase with thrombospondin type 1 motif 2; minus strand). Cytogenetic location: 5q35.3.
Variant type: Indel.
Coding change: c.96delinsTA on transcript NM_014244.5 (MANE Select); coding-DNA position 96, G replaced by TA.
Protein change: p.Pro33fs; shifts the reading frame from proline 33.
Molecular consequence: frameshift variant.
Genome position (GRCh38, 1-based): chr5:179,345,233, C replaced by TA on the plus strand (G replaced by TA on the coding strand, the reverse complement: ADAMTS2 is on the minus strand). VCF-style: chr5-179345233-C-TA. GRCh37 (hg19) VCF-style: chr5-178772234-C-TA.
Other names: c.96delinsTA, p.Pro33fs (NM_021599.4); short protein forms P33fs.
Identifiers: ClinVar variation 5010645 (VCV005010645.1).

ClinVar aggregate classification (germline): Pathogenic (1 of 4 stars; one submission).

Conditions:
Ehlers-Danlos syndrome, dermatosparaxis type. Also called: EDS VIIC; Dermatosparaxis; Ehlers-Danlos syndrome, type VII, autosomal recessive. Identifiers: Orphanet 1901, MedGen C2700425, MONDO:0009161, OMIM 225410.

Submission:

Myriad Genetics, Inc.
Classification: Pathogenic for Ehlers-Danlos syndrome, dermatosparaxis type. Last evaluated: 2024-05-14. Review status: criteria provided, single submitter. Criteria: Myriad Autosomal Dominant, Autosomal Recessive and X-Linked Classification Criteria (2023). Collection method: clinical testing. Allele origin: unknown.
Comment: NM_014244.4(ADAMTS2):c.96delGinsTA(P33Tfs*33) is expected to be pathogenic in the context of Ehlers-Danlos syndrome, ADAMTS2-related. This variant is predicted to lead to an abnormal or absent protein product due to the creation of a premature termination codon in ADAMTS2, a gene where loss-of-function variants are known to be pathogenic. Please note: this variant was assessed in the context of healthy population screening.